The following is an entry in ClinVar:

NM_024422.6(DSC2):c.2495C>T (p.Pro832Leu)

Gene: DSC2 (desmocollin 2; minus strand). Cytogenetic location: 18q12.1.
Variant type: single nucleotide variant.
Coding change: c.2495C>T on transcript NM_024422.6 (MANE Select); coding-DNA position 2495, C replaced by T.
Protein change: p.Pro832Leu; replaces proline 832 with leucine.
Molecular consequence: missense variant.
Genome position (GRCh38, 1-based): chr18:31,068,907, G>A on the plus strand (C>T on the coding strand, the complement: DSC2 is on the minus strand). VCF-style: chr18-31068907-G-A. GRCh37 (hg19) VCF-style: chr18-28648873-G-A.
Other names: c.2066C>T, p.Pro689Leu (NM_001406506.1, NM_001406507.1); c.2495C>T, p.Pro832Leu (NM_004949.5); short protein forms P689L, P832L.
Identifiers: ClinVar variation 3606165 (VCV003606165.2).

ClinVar aggregate classification (germline): Uncertain significance (1 of 4 stars; one submission).

Conditions:
Arrhythmogenic right ventricular dysplasia 11. Also called: ARRHYTHMOGENIC RIGHT VENTRICULAR DYSPLASIA, FAMILIAL, 11; Arrhythmogenic Right Ventricular Dysplasia/Cardiomyopathy11; Arrhythmogenic right ventricular dysplasia 11 with mild palmoplantar keratoderma and woolly hair. Identifiers: MedGen C1864850, MONDO:0012506, OMIM 610476.

Submission:

Labcorp Genetics (formerly Invitae), Labcorp
Classification: Uncertain significance for Arrhythmogenic right ventricular dysplasia 11. Last evaluated: 2024-07-23. Review status: criteria provided, single submitter. Criteria: Invitae Variant Classification Sherloc (09022015). Collection method: clinical testing. Allele origin: germline.
Comment: This sequence change replaces proline, which is neutral and non-polar, with leucine, which is neutral and non-polar, at codon 832 of the DSC2 protein (p.Pro832Leu). This variant is not present in population databases (gnomAD no frequency). This variant has not been reported in the literature in individuals affected with DSC2-related conditions. Advanced modeling of protein sequence and biophysical properties (such as structural, functional, and spatial information, amino acid conservation, physicochemical variation, residue mobility, and thermodynamic stability) has been performed at Invitae for this missense variant, however the output from this modeling did not meet the statistical confidence thresholds required to predict the impact of this variant on DSC2 protein function. In summary, the available evidence is currently insufficient to determine the role of this variant in disease. Therefore, it has been classified as a Variant of Uncertain Significance.